The following is an entry in ClinVar:

NM_001099922.3(ALG13):c.1481A>G (p.Tyr494Cys)

Gene: ALG13 (ALG13 UDP-N-acetylglucosaminyltransferase subunit; plus strand). Cytogenetic location: Xq23.
Variant type: single nucleotide variant.
Coding change: c.1481A>G on transcript NM_001099922.3 (MANE Select); coding-DNA position 1481, A replaced by G.
Protein change: p.Tyr494Cys; replaces tyrosine 494 with cysteine.
Molecular consequence: missense variant. On other transcripts: intron variant (1).
Genome position (GRCh38, 1-based): chrX:111,722,838, A>G. VCF-style: chrX-111722838-A-G. GRCh37 (hg19) VCF-style: chrX-110966066-A-G.
Other names: c.1169A>G, p.Tyr390Cys (NM_001257230.2, NM_001257234.2, NM_001257237.2); c.1247A>G, p.Tyr416Cys (NM_001257231.2); c.1481A>G, p.Tyr494Cys (NM_001324292.2); c.1015-960A>G (NM_001324293.1); short protein forms Y494C, Y390C, Y416C.
Identifiers: ClinVar variation 2723705 (VCV002723705.3), dbSNP rs770609641, ClinGen allele CA10493721.

ClinVar aggregate classification (germline): Uncertain significance (1 of 4 stars; one submission).

Conditions:
Developmental and epileptic encephalopathy, 36 (DEE36). Also called: Congenital disorder of glycosylation, type Is; Epileptic encephalopathy, early infantile, 36; ALG13-CDG. Identifiers: Orphanet 324422, MedGen C4317295, MONDO:0010472, OMIM 300884.

Allele frequency attached by ClinVar (database versions not stated): gnomAD 0.00005; ExAC 0.00002; gnomAD exomes 0.00002; TOPMed 0.00003.
gnomAD v4.1: 31 of 1,197,376 alleles (0.0026%); highest among the groups gnomAD compares: Admixed American, 0.0066%; no homozygotes.

Submission:

Labcorp Genetics (formerly Invitae), Labcorp
Classification: Uncertain significance for Developmental and epileptic encephalopathy, 36. Last evaluated: 2025-08-11. Review status: criteria provided, single submitter. Criteria: Invitae Variant Classification Sherloc (09022015). Collection method: clinical testing. Allele origin: germline.
Comment: This sequence change replaces tyrosine, which is neutral and polar, with cysteine, which is neutral and slightly polar, at codon 494 of the ALG13 protein (p.Tyr494Cys). The frequency data for this variant in the population databases is considered unreliable, as metrics indicate poor data quality at this position in the gnomAD database. This variant has not been reported in the literature in individuals affected with ALG13-related conditions. ClinVar contains an entry for this variant (Variation ID: 2723705). Invitae Evidence Modeling of protein sequence and biophysical properties (such as structural, functional, and spatial information, amino acid conservation, physicochemical variation, residue mobility, and thermodynamic stability) indicates that this missense variant is not expected to disrupt ALG13 protein function with a negative predictive value of 95%. In summary, the available evidence is currently insufficient to determine the role of this variant in disease. Therefore, it has been classified as a Variant of Uncertain Significance.